The following is an entry in ClinVar:

NM_000465.4(BARD1):c.1428A>G (p.Val476=)

Gene: BARD1 (BRCA1 associated RING domain 1; minus strand). Cytogenetic location: 2q35.
Variant type: single nucleotide variant.
Coding change: c.1428A>G on transcript NM_000465.4 (MANE Select); coding-DNA position 1428, A replaced by G.
Protein change: p.Val476=; no amino-acid change (valine 476 retained).
Molecular consequence: synonymous variant. On other transcripts: non-coding transcript variant (3), intron variant (3).
Genome position (GRCh38, 1-based): chr2:214,767,622, T>C on the plus strand (A>G on the coding strand, the complement: BARD1 is on the minus strand). VCF-style: chr2-214767622-T-C. GRCh37 (hg19) VCF-style: chr2-215632346-T-C.
Other names: c.1371A>G, p.Val457= (NM_001282543.2); c.159-15067A>G (NM_001282548.2); c.216-15067A>G (NM_001282545.2); c.364+24675A>G (NM_001282549.2).
Identifiers: ClinVar variation 386136 (VCV000386136.18), dbSNP rs1057522429, ClinGen allele CA16604123.

ClinVar aggregate classification (germline): Benign/Likely benign. Review status: criteria provided, multiple submitters, no conflicts (2 of 4 stars). 5 submissions from 5 submitters: Benign (1); Likely benign (4). Last evaluated 2025-12-13.

Conditions:
Familial cancer of breast. Also called: hereditary breast carcinoma; Hereditary breast cancer; BREAST CANCER, FAMILIAL. Identifiers: Orphanet 227535, MedGen C0346153, MONDO:0016419, OMIM 114480. Disease mechanism: loss of function.
Hereditary cancer-predisposing syndrome. Also called: Hereditary Cancer Syndrome; Hereditary neoplastic syndrome; Neoplastic Syndromes, Hereditary; Tumor predisposition. Identifiers: Orphanet 140162, MedGen C0027672, MeSH D009386, MONDO:0015356.

Allele frequency attached by ClinVar (database versions not stated): gnomAD exomes below 0.00001; TOPMed below 0.00001.
gnomAD v4.1: 1 of 1,614,072 alleles (0.000062%); highest among the groups gnomAD compares: Non-Finnish European, 0.000085%; no homozygotes.

Submissions (5):

Labcorp Genetics (formerly Invitae), Labcorp
Classification: Likely benign for Familial cancer of breast. Last evaluated: 2025-12-13. Review status: criteria provided, single submitter. Criteria: Invitae Variant Classification Sherloc (09022015). Collection method: clinical testing. Allele origin: germline.

Myriad Genetics, Inc.
Classification: Benign for Familial cancer of breast. Last evaluated: 2024-07-25. Review status: criteria provided, single submitter. Criteria: Myriad Autosomal Dominant, Autosomal Recessive and X-Linked Classification Criteria (2023). Collection method: clinical testing. Allele origin: unknown.
Comment: This variant is considered benign. This variant is a silent/synonymous amino acid change and it is not expected to impact splicing.

Ambry Genetics
Classification: Likely benign for Hereditary cancer-predisposing syndrome. Last evaluated: 2021-08-09. Review status: criteria provided, single submitter. Criteria: Ambry Variant Classification Scheme 2023. Collection method: clinical testing. Allele origin: germline.

Color Diagnostics, LLC DBA Color Health
Classification: Likely benign for Hereditary cancer-predisposing syndrome. Last evaluated: 2018-04-05. Review status: criteria provided, single submitter. Criteria: ACMG Guidelines, 2015. Collection method: clinical testing. Allele origin: germline.

GeneDx
Classification: Likely benign. Last evaluated: 2017-09-20. Review status: criteria provided, single submitter. Criteria: GeneDx Variant Classification (06012015). Collection method: clinical testing. Allele origin: germline. Affected: yes.
Comment: This variant is considered likely benign or benign based on one or more of the following criteria: it is a conservative change, it occurs at a poorly conserved position in the protein, it is predicted to be benign by multiple in silico algorithms, and/or has population frequency not consistent with disease.